The following is an entry in ClinVar:

ClinVar aggregate classification (germline): Pathogenic. Review status: criteria provided, single submitter (1 of 4 stars). 2 submissions from 2 submitters: Pathogenic (1). 1 of the submissions does not count toward it. Last evaluated 2024-12-16.

Conditions:
Hereditary factor VIII deficiency disease (HEMA). Also called: HEMOPHILIA, CLASSIC; Hemophilia A; Hemophilia A, congenital; HEM A; Factor 8 deficiency, congenital; AUTOSOMAL HEMOPHILIA A. Identifiers: Orphanet 98878, MedGen C0019069, MONDO:0010602, OMIM 306700.

Allele frequency attached by ClinVar (database versions not stated): TOPMed 0.00005.

Submissions (2):

Women's Health and Genetics/Laboratory Corporation of America, LabCorp
Classification: Pathogenic for Hereditary factor VIII deficiency disease. Last evaluated: 2024-12-16. Review status: criteria provided, single submitter. Criteria: LabCorp Variant Classification Summary - May 2015. Collection method: clinical testing. Allele origin: germline.
Comment: Variant summary: F8 c.6113A>G (p.Asn2038Ser) results in a conservative amino acid change located in the Coagulation factor 5/8 C-terminal domain (IPR000421) of the encoded protein sequence. Three of five in-silico tools predict a benign effect of the variant on protein function. Several computational tools predict a significant impact on normal splicing: One predict the variant abolishes the canonical 5' splicing donor site. Two predict the variant weakens the canonical 5' donor site. One predict the variant no significant impact on splicing. A functional study reported the variant did not affect normal protein features, but reduced splicing function (about 26% of normal activity, Donadon_2018). The variant was absent in 183122 control chromosomes. c.6113A>G has been reported in the literature in multiple individuals affected with Factor VIII Deficiency (Hemophilia A) (Donadon_2018, Eckhardt_2013). These data indicate that the variant is very likely to be associated with disease. The following publications have been ascertained in the context of this evaluation (PMID: 29170251, 23926300). ClinVar contains an entry for this variant (Variation ID: 10305). Based on the evidence outlined above, the variant was classified as pathogenic.

OMIM
Classification: Pathogenic for HEMOPHILIA A. Last evaluated: 1995-01-01. Review status: no assertion criteria provided. Collection method: literature only. Allele origin: germline. Not counted in ClinVar's aggregate classification.

Literature cited by the submitters: PubMed 23926300 (cited by Women's Health and Genetics/Laboratory Corporation of America, LabCorp); PubMed 29170251 (cited by Women's Health and Genetics/Laboratory Corporation of America, LabCorp); PubMed 7728145 (cited by OMIM).

NM_000132.4(F8):c.6113A>G (p.Asn2038Ser)

Gene: F8 (coagulation factor VIII; minus strand). Cytogenetic location: Xq28.
Variant type: single nucleotide variant.
Coding change: c.6113A>G on transcript NM_000132.4 (MANE Select); coding-DNA position 6113, A replaced by G.
Protein change: p.Asn2038Ser; replaces asparagine 2038 with serine.
Molecular consequence: missense variant.
Genome position (GRCh38, 1-based): chrX:154,902,053, T>C on the plus strand (A>G on the coding strand, the complement: F8 is on the minus strand). VCF-style: chrX-154902053-T-C. GRCh37 (hg19) VCF-style: chrX-154130328-T-C.
Other names: F8, ASN2019SER; N2019S; short protein forms N2038S.
Identifiers: ClinVar variation 10305 (VCV000010305.2), dbSNP rs137852454, ClinGen allele CA255198.